The following is an entry in ClinVar:

ClinVar aggregate classification (germline): Conflicting classifications of pathogenicity. Review status: criteria provided, conflicting classifications (1 of 4 stars). 5 submissions from 5 submitters: Uncertain significance (2); Likely benign (1). 2 of the submissions do not count toward it. Last evaluated 2026-01-31.

Conditions:
POLD1-related polyposis and colorectal cancer syndrome (CRCS10). Also called: Colorectal cancer, susceptibility to, 10; Colorectal cancer 10; COLORECTAL CANCER, SUSCEPTIBILITY TO, ON CHROMOSOME 19q. Identifiers: Orphanet 220460, MedGen C2675481, MONDO:0012953, OMIM 612591.
Carcinoma of colon (CRC). Also called: Colon carcinoma; Colonic carcinoma. Identifiers: MedGen C0699790, MONDO:0002032.
POLD1-related disorder. Also called: POLD1-related disorders; POLD1-related condition.
Hereditary cancer-predisposing syndrome. Also called: Neoplastic Syndromes, Hereditary; Hereditary neoplastic syndrome; Hereditary Cancer Syndrome; Tumor predisposition. Identifiers: Orphanet 140162, MedGen C0027672, MeSH D009386, MONDO:0015356.

Allele frequency attached by ClinVar (database versions not stated): ExAC 0.00002; gnomAD 0.00002; gnomAD exomes 0.00002 and 0.00007; TOPMed 0.00002.
gnomAD v4.1: 100 of 1,606,246 alleles (0.0062%); highest among the groups gnomAD compares: Non-Finnish European, 0.0082%; no homozygotes.

Submissions (5):

Labcorp Genetics (formerly Invitae), Labcorp
Classification: Uncertain significance for POLD1-related polyposis and colorectal cancer syndrome. Last evaluated: 2026-01-31. Review status: criteria provided, single submitter. Criteria: Invitae Variant Classification Sherloc (09022015). Collection method: clinical testing. Allele origin: germline.
Comment: This sequence change replaces alanine, which is neutral and non-polar, with serine, which is neutral and polar, at codon 1046 of the POLD1 protein (p.Ala1046Ser). This variant is present in population databases (rs751088347, gnomAD 0.007%). This variant has not been reported in the literature in individuals affected with POLD1-related conditions. ClinVar contains an entry for this variant (Variation ID: 407978). Invitae Evidence Modeling of protein sequence and biophysical properties (such as structural, functional, and spatial information, amino acid conservation, physicochemical variation, residue mobility, and thermodynamic stability) indicates that this missense variant is not expected to disrupt POLD1 protein function with a negative predictive value of 80%. In summary, the available evidence is currently insufficient to determine the role of this variant in disease. Therefore, it has been classified as a Variant of Uncertain Significance.

Ambry Genetics
Classification: Likely benign for Hereditary cancer-predisposing syndrome. Last evaluated: 2024-03-07. Review status: criteria provided, single submitter. Criteria: Ambry Variant Classification Scheme 2023. Collection method: clinical testing. Allele origin: germline.

GeneDx
Classification: Uncertain significance. Last evaluated: 2022-10-27. Review status: criteria provided, single submitter. Criteria: GeneDx Variant Classification Process June 2021. Collection method: clinical testing. Allele origin: germline. Affected: yes.
Comment: In silico analysis supports that this missense variant does not alter protein structure/function; Has not been previously published as pathogenic or benign to our knowledge; This variant is associated with the following publications: (PMID: 19296856)

PreventionGenetics, part of Exact Sciences
Classification: Uncertain significance for POLD1-related condition. Last evaluated: 2023-12-28. Review status: no assertion criteria provided. Collection method: clinical testing. Allele origin: germline. Not counted in ClinVar's aggregate classification.
Comment: The POLD1 c.3136G>T variant is predicted to result in the amino acid substitution p.Ala1046Ser. To our knowledge, this variant has not been reported in the literature. This variant is reported in 0.0049% of alleles in individuals of European (Non-Finnish) descent in gnomAD and is interpreted as uncertain significance in ClinVar. At this time, the clinical significance of this variant is uncertain due to the absence of conclusive functional and genetic evidence.

Department of Pathology and Laboratory Medicine, Sinai Health System
Classification: Uncertain significance for Carcinoma of colon. Review status: no assertion criteria provided. Collection method: clinical testing. Allele origin: unknown. Affected: yes. Observed: 1 variant allele. Study: The Canadian Open Genetics Repository (COGR). Not counted in ClinVar's aggregate classification.
Comment: The POLD1 p.Ala1046Ser variant was not identified in the literature nor was it identified in the Cosmic or MutDB database. The variant was identified in dbSNP (ID: rs751088347) as "With Uncertain significance allele", and in ClinVar (classified as uncertain significance by Invitae). The variant was identified in a control database in 8 of 262252 chromosomes at a frequency of 0.00003 (Genome Aggregation Database Feb 27, 2017). The variant was observed in the European (Non-Finnish) population in 8 of 120228 chromosomes (freq: 0.0001), but not in the African, Other, Latino, Ashkenazi Jewish, East Asian, Finnish, or South Asian populations. The p.Ala1046 residue is not conserved in mammals and computational analyses (PolyPhen-2, SIFT, AlignGVGD, BLOSUM, MutationTaster) do not suggest a high likelihood of impact to the protein; however, this information is not predictive enough to rule out pathogenicity. The variant occurs outside of the splicing consensus sequence and in silico or computational prediction software programs (SpliceSiteFinder, MaxEntScan, NNSPLICE, GeneSplicer, HumanSpliceFinder) do not predict a difference in splicing. In summary, based on the above information the clinical significance of this variant cannot be determined with certainty at this time. This variant is classified as a variant of uncertain significance.

NM_002691.4(POLD1):c.3136G>T (p.Ala1046Ser)

Gene: POLD1 (DNA polymerase delta 1, catalytic subunit; plus strand). Cytogenetic location: 19q13.33.
Variant type: single nucleotide variant.
Coding change: c.3136G>T on transcript NM_002691.4 (MANE Select); coding-DNA position 3136, G replaced by T.
Protein change: p.Ala1046Ser; replaces alanine 1046 with serine.
Molecular consequence: missense variant. On other transcripts: non-coding transcript variant (1).
Genome position (GRCh38, 1-based): chr19:50,417,187, G>T. VCF-style: chr19-50417187-G-T. GRCh37 (hg19) VCF-style: chr19-50920444-G-T.
Other names: c.3136G>T, p.Ala1046Ser (NM_001256849.1); c.3214G>T, p.Ala1072Ser (NM_001308632.1); c.3136G>T (NM_002691.2); short protein forms A1072S, A1046S.
Identifiers: ClinVar variation 407978 (VCV000407978.19), dbSNP rs751088347, ClinGen allele CA9596771.